The following is an entry in ClinVar:

NM_006445.4(PRPF8):c.1014A>G (p.Val338=)

Gene: PRPF8 (pre-mRNA processing factor 8; minus strand). Cytogenetic location: 17p13.3.
Variant type: single nucleotide variant.
Coding change: c.1014A>G on transcript NM_006445.4 (MANE Select); coding-DNA position 1014, A replaced by G.
Protein change: p.Val338=; no amino-acid change (valine 338 retained).
Molecular consequence: synonymous variant.
Genome position (GRCh38, 1-based): chr17:1,680,810, T>C on the plus strand (A>G on the coding strand, the complement: PRPF8 is on the minus strand). VCF-style: chr17-1680810-T-C. GRCh37 (hg19) VCF-style: chr17-1584104-T-C.
Other names: c.1014A>G (NM_006445.3).
Identifiers: ClinVar variation 1965304 (VCV001965304.7), dbSNP rs781046979, ClinGen allele CA8272471.

ClinVar aggregate classification (germline): Likely benign. Review status: criteria provided, multiple submitters, no conflicts (2 of 4 stars). 3 submissions from 3 submitters: Likely benign (3). Last evaluated 2025-12-29.

Conditions:
PRPF8-related disorder. Also called: PRPF8-related condition.

Allele frequency attached by ClinVar (database versions not stated): ExAC 0.00001; gnomAD exomes 0.00003.
gnomAD v4.1: 49 of 1,614,004 alleles (0.003%); highest among the groups gnomAD compares: Non-Finnish European, 0.004%; no homozygotes.

Submissions (3):

PreventionGenetics, part of Exact Sciences
Classification: Likely benign for PRPF8-related condition. Last evaluated: 2025-12-29. Review status: criteria provided, single submitter. Criteria: ACMG Guidelines, 2015. Collection method: clinical testing. Allele origin: germline.
Comment: This variant is classified as likely benign based on ACMG/AMP sequence variant interpretation guidelines (Richards et al. 2015 PMID: 25741868, with internal and published modifications).

Labcorp Genetics (formerly Invitae), Labcorp
Classification: Likely benign. Last evaluated: 2025-03-17. Review status: criteria provided, single submitter. Criteria: Invitae Variant Classification Sherloc (09022015). Collection method: clinical testing. Allele origin: germline.

Blueprint Genetics
Classification: Likely benign. Last evaluated: 2021-08-31. Review status: criteria provided, single submitter. Criteria: ACMG Guidelines, 2015. Collection method: clinical testing. Allele origin: germline.